The following is an entry in ClinVar:

ClinVar aggregate classification (germline): Uncertain significance. Review status: criteria provided, multiple submitters, no conflicts (2 of 4 stars). 2 submissions from 2 submitters: Uncertain significance (2). Last evaluated 2024-01-01.

Conditions:
Epidermolysis bullosa simplex 5B, with muscular dystrophy (EBS5B). Also called: EPIDERMOLYSIS BULLOSA SIMPLEX AND LIMB-GIRDLE MUSCULAR DYSTROPHY; Epidermolysis bullosa simplex with muscular dystrophy. Identifiers: Orphanet 257, MedGen C2931072, MONDO:0009181, OMIM 226670.
Epidermolysis bullosa simplex, Ogna type (EBS5A). Also called: Pidermolysis bullosa simplex 5A, Ogna type; EPIDERMOLYSIS BULLOSA SIMPLEX 5A, OGNA TYPE. Identifiers: Orphanet 79401, MedGen C0432317, MONDO:0007555, OMIM 131950.
Epidermolysis bullosa simplex 5C, with pyloric atresia (EBS5C). Also called: PLEC-Related Epidermolysis Bullosa with Pyloric Atresia; Epidermolysis bullosa simplex with pyloric atresia; PLEC1-Related Epidermolysis Bullosa with Pyloric Atresia. Identifiers: Orphanet 158684, MedGen C2677349, MONDO:0012807, OMIM 612138.
Autosomal recessive limb-girdle muscular dystrophy type 2Q (LGMDR17). Also called: MUSCULAR DYSTROPHY, LIMB-GIRDLE, AUTOSOMAL RECESSIVE 17. Identifiers: Orphanet 254361, MedGen C3150989, MONDO:0013390, OMIM 613723.
Epidermolysis bullosa simplex with nail dystrophy (EBS5D). Identifiers: MedGen C4225309, MONDO:0014661, OMIM 616487.
Inborn genetic diseases. Identifiers: MedGen C0950123, MeSH D030342.

Allele frequency attached by ClinVar (database versions not stated): ExAC 0.00003.
gnomAD v4.1: 9 of 1,612,550 alleles (0.00056%); highest among the groups gnomAD compares: East Asian, 0.02%; no homozygotes.

Submissions (2):

Labcorp Genetics (formerly Invitae), Labcorp
Classification: Uncertain significance for Autosomal recessive limb-girdle muscular dystrophy type 2Q; Epidermolysis bullosa simplex, Ogna type; Epidermolysis bullosa simplex with nail dystrophy; Epidermolysis bullosa simplex 5C, with pyloric atresia; Epidermolysis bullosa simplex 5B, with muscular dystrophy. Last evaluated: 2024-01-01. Review status: criteria provided, single submitter. Criteria: Invitae Variant Classification Sherloc (09022015). Collection method: clinical testing. Allele origin: germline.
Comment: This sequence change replaces leucine, which is neutral and non-polar, with valine, which is neutral and non-polar, at codon 3251 of the PLEC protein (p.Leu3251Val). This variant is present in population databases (rs2857804, gnomAD 0.03%). This variant has not been reported in the literature in individuals affected with PLEC-related conditions. ClinVar contains an entry for this variant (Variation ID: 2050179). Algorithms developed to predict the effect of missense changes on protein structure and function output the following: SIFT: "Not Available"; PolyPhen-2: "Benign"; Align-GVGD: "Not Available". The valine amino acid residue is found in multiple mammalian species, which suggests that this missense change does not adversely affect protein function. In summary, the available evidence is currently insufficient to determine the role of this variant in disease. Therefore, it has been classified as a Variant of Uncertain Significance.

Ambry Genetics
Classification: Uncertain significance for Inborn genetic diseases. Last evaluated: 2023-05-10. Review status: criteria provided, single submitter. Criteria: Ambry Variant Classification Scheme 2023. Collection method: clinical testing. Allele origin: germline.

NM_201384.3(PLEC):c.9670C>G (p.Leu3224Val)

Gene: PLEC (plectin; minus strand). Cytogenetic location: 8q24.3.
Variant type: single nucleotide variant.
Coding change: c.9670C>G on transcript NM_201384.3 (MANE Select); coding-DNA position 9670, C replaced by G.
Protein change: p.Leu3224Val; replaces leucine 3224 with valine.
Molecular consequence: missense variant.
Genome position (GRCh38, 1-based): chr8:143,920,151, G>C on the plus strand (C>G on the coding strand, the complement: PLEC is on the minus strand). VCF-style: chr8-143920151-G-C. GRCh37 (hg19) VCF-style: chr8-144994319-G-C.
Other names: c.9751C>G (NM_000445.3); c.9751C>G, p.Leu3251Val (NM_000445.5); c.6370C>G, p.Leu2124Val (NM_001410941.1); c.9628C>G, p.Leu3210Val (NM_201378.4); c.9604C>G, p.Leu3202Val (NM_201379.3); c.10081C>G, p.Leu3361Val (NM_201380.4); c.9574C>G, p.Leu3192Val (NM_201381.3); c.9670C>G, p.Leu3224Val (NM_201382.4); and 1 more; short protein forms L2124V, L3192V, L3210V, L3228V, L3251V, L3202V, L3224V, L3361V.
Identifiers: ClinVar variation 2050179 (VCV002050179.6), dbSNP rs2857804, ClinGen allele CA4924893.